The following is an entry in ClinVar:

NM_001330691.3(CEP78):c.1645A>C (p.Met549Leu)

Gene: CEP78 (centrosomal protein 78; plus strand). Cytogenetic location: 9q21.2.
Variant type: single nucleotide variant.
Coding change: c.1645A>C on transcript NM_001330691.3 (MANE Select); coding-DNA position 1645, A replaced by C.
Protein change: p.Met549Leu; replaces methionine 549 with leucine.
Molecular consequence: missense variant.
Genome position (GRCh38, 1-based): chr9:78,265,391, A>C. VCF-style: chr9-78265391-A-C. GRCh37 (hg19) VCF-style: chr9-80880307-A-C.
Other names: c.1648A>C, p.Met550Leu (NM_001098802.3, NM_001349839.2, NM_001349840.2 and 1 more transcripts); c.1645A>C, p.Met549Leu (NM_001330693.3, NM_001330694.2, NM_001349838.2); short protein forms M549L, M550L.
Identifiers: ClinVar variation 2048885 (VCV002048885.3), dbSNP rs1394289087, ClinGen allele CA373865647.

ClinVar aggregate classification (germline): Uncertain significance (1 of 4 stars; one submission).

Allele frequency attached by ClinVar (database versions not stated): TOPMed below 0.00001; gnomAD 0.00001.
gnomAD v4.1: 16 of 1,599,912 alleles (0.001%); highest among the groups gnomAD compares: Non-Finnish European, 0.0013%; no homozygotes.

Submission:

Labcorp Genetics (formerly Invitae), Labcorp
Classification: Uncertain significance. Last evaluated: 2022-01-27. Review status: criteria provided, single submitter. Criteria: Invitae Variant Classification Sherloc (09022015). Collection method: clinical testing. Allele origin: germline.
Comment: This sequence change replaces methionine, which is neutral and non-polar, with leucine, which is neutral and non-polar, at codon 550 of the CEP78 protein (p.Met550Leu). The frequency data for this variant in the population databases is considered unreliable, as metrics indicate poor data quality at this position in the gnomAD database. This variant has not been reported in the literature in individuals affected with CEP78-related conditions. Algorithms developed to predict the effect of missense changes on protein structure and function are either unavailable or do not agree on the potential impact of this missense change (SIFT: "Tolerated"; PolyPhen-2: "Possibly Damaging"; Align-GVGD: "Class C0"). In summary, the available evidence is currently insufficient to determine the role of this variant in disease. Therefore, it has been classified as a Variant of Uncertain Significance.